The following is an entry in ClinVar:

ClinVar aggregate classification (germline): Likely pathogenic (1 of 4 stars; one submission).

Submission:

GeneDx
Classification: Likely pathogenic. Last evaluated: 2023-06-07. Review status: criteria provided, single submitter. Criteria: GeneDx Variant Classification Process June 2021. Collection method: clinical testing. Allele origin: germline. Affected: yes.
Comment: Not observed at significant frequency in large population cohorts (gnomAD); In silico analysis supports that this missense variant has a deleterious effect on protein structure/function; Has not been previously published as pathogenic or benign to our knowledge

NM_181672.3(OGT):c.1361C>T (p.Thr454Met)

Gene: OGT (O-linked N-acetylglucosamine (GlcNAc) transferase; plus strand). Cytogenetic location: Xq13.1.
Variant type: single nucleotide variant.
Coding change: c.1361C>T on transcript NM_181672.3 (MANE Select); coding-DNA position 1361, C replaced by T.
Protein change: p.Thr454Met; replaces threonine 454 with methionine.
Molecular consequence: missense variant.
Genome position (GRCh38, 1-based): chrX:71,557,235, C>T. VCF-style: chrX-71557235-C-T. GRCh37 (hg19) VCF-style: chrX-70777085-C-T.
Other names: c.1331C>T, p.Thr444Met (NM_181673.3); short protein forms T444M, T454M.
Identifiers: ClinVar variation 1313143 (VCV001313143.3), dbSNP rs1204659204, ClinGen allele CA413552617.
Genomic context (GRCh38, chrX:71,557,235, plus strand): 5'-CTGCTTTATTTATTTTCCAGGATTCAGGGAATATTCCAGAAGCCATAGCTTCTTACCGCA[C>T]GGCTCTGAAACTTAAGCCTGATTTTCCTGATGCTTATTGTAACTTGGCTCATTGCCTGCA-3'
Protein context (NP_858058.1, residues 444-464): NIPEAIASYR[Thr454Met]ALKLKPDFPD